The following is an entry in ClinVar:

NM_033028.5(BBS4):c.924T>C (p.Tyr308=)

Gene: BBS4 (Bardet-Biedl syndrome 4; plus strand). Cytogenetic location: 15q24.1.
Variant type: single nucleotide variant.
Coding change: c.924T>C on transcript NM_033028.5 (MANE Select); coding-DNA position 924, T replaced by C.
Protein change: p.Tyr308=; no amino-acid change (tyrosine 308 retained).
Molecular consequence: synonymous variant. On other transcripts: non-coding transcript variant (2).
Genome position (GRCh38, 1-based): chr15:72,731,614, T>C. VCF-style: chr15-72731614-T-C. GRCh37 (hg19) VCF-style: chr15-73023955-T-C.
Other names: c.408T>C, p.Tyr136= (NM_001252678.2); c.855T>C, p.Tyr285= (NM_001320665.2).
Identifiers: ClinVar variation 4996716 (VCV004996716.1).

ClinVar aggregate classification (germline): Likely benign (1 of 4 stars; one submission).

Conditions:
BBS4-related disorder. Also called: BBS4-related condition.

Submission:

PreventionGenetics, part of Exact Sciences
Classification: Likely benign for BBS4-related condition. Last evaluated: 2026-08-25. Review status: criteria provided, single submitter. Criteria: ACMG Guidelines, 2015. Collection method: clinical testing. Allele origin: germline.
Comment: This variant is classified as likely benign based on ACMG/AMP sequence variant interpretation guidelines (Richards et al. 2015 PMID: 25741868, with internal and published modifications).